The following is an entry in ClinVar:

ClinVar aggregate classification (germline): Uncertain significance. Review status: criteria provided, multiple submitters, no conflicts (2 of 4 stars). 3 submissions from 3 submitters: Uncertain significance (3). Last evaluated 2024-05-06.

Conditions:
Fanconi anemia complementation group J. Also called: BRIP1-Related Fanconi Anemia. Identifiers: Orphanet 84, MedGen C1836860, MONDO:0012187, OMIM 609054.
Familial cancer of breast. Also called: BREAST CANCER, FAMILIAL; Hereditary breast cancer; hereditary breast carcinoma. Identifiers: Orphanet 227535, MedGen C0346153, MONDO:0016419, OMIM 114480. Disease mechanism: loss of function.
Hereditary cancer-predisposing syndrome. Also called: Tumor predisposition; Neoplastic Syndromes, Hereditary; Hereditary Cancer Syndrome; Hereditary neoplastic syndrome. Identifiers: Orphanet 140162, MedGen C0027672, MeSH D009386, MONDO:0015356.

Submissions (3):

GeneDx
Classification: Uncertain significance. Last evaluated: 2024-05-06. Review status: criteria provided, single submitter. Criteria: GeneDx Variant Classification Process June 2021. Collection method: clinical testing. Allele origin: germline. Affected: yes.
Comment: Not observed at significant frequency in large population cohorts (gnomAD); In silico analysis supports that this missense variant has a deleterious effect on protein structure/function; Has not been previously published as pathogenic or benign to our knowledge

Labcorp Genetics (formerly Invitae), Labcorp
Classification: Uncertain significance for Familial cancer of breast; Fanconi anemia complementation group J. Last evaluated: 2024-03-27. Review status: criteria provided, single submitter. Criteria: Invitae Variant Classification Sherloc (09022015). Collection method: clinical testing. Allele origin: germline.
Comment: This sequence change replaces leucine, which is neutral and non-polar, with histidine, which is basic and polar, at codon 474 of the BRIP1 protein (p.Leu474His). This variant is not present in population databases (gnomAD no frequency). This variant has not been reported in the literature in individuals affected with BRIP1-related conditions. ClinVar contains an entry for this variant (Variation ID: 1772272). Advanced modeling of protein sequence and biophysical properties (such as structural, functional, and spatial information, amino acid conservation, physicochemical variation, residue mobility, and thermodynamic stability) has been performed at Invitae for this missense variant, however the output from this modeling did not meet the statistical confidence thresholds required to predict the impact of this variant on BRIP1 protein function. In summary, the available evidence is currently insufficient to determine the role of this variant in disease. Therefore, it has been classified as a Variant of Uncertain Significance.

Ambry Genetics
Classification: Uncertain significance for Hereditary cancer-predisposing syndrome. Last evaluated: 2022-09-08. Review status: criteria provided, single submitter. Criteria: Ambry Variant Classification Scheme 2023. Collection method: clinical testing. Allele origin: germline.
Comment: The p.L474H variant (also known as c.1421T>A), located in coding exon 9 of the BRIP1 gene, results from a T to A substitution at nucleotide position 1421. The leucine at codon 474 is replaced by histidine, an amino acid with similar properties. This amino acid position is conserved. In addition, the in silico prediction for this alteration is inconclusive. Since supporting evidence is limited at this time, the clinical significance of this alteration remains unclear.

NM_032043.3(BRIP1):c.1421T>A (p.Leu474His)

Gene: BRIP1 (BRCA1 interacting DNA helicase 1; minus strand). Cytogenetic location: 17q23.2.
Variant type: single nucleotide variant.
Coding change: c.1421T>A on transcript NM_032043.3 (MANE Select); coding-DNA position 1421, T replaced by A.
Protein change: p.Leu474His; replaces leucine 474 with histidine.
Molecular consequence: missense variant.
Genome position (GRCh38, 1-based): chr17:61,793,649, A>T on the plus strand (T>A on the coding strand, the complement: BRIP1 is on the minus strand). VCF-style: chr17-61793649-A-T. GRCh37 (hg19) VCF-style: chr17-59871010-A-T.
Other names: short protein forms L474H.
Identifiers: ClinVar variation 1772272 (VCV001772272.6), dbSNP rs2145241336, ClinGen allele CA400482138.